The following is an entry in ClinVar:

ClinVar aggregate classification (germline): Uncertain significance. Review status: criteria provided, multiple submitters, no conflicts (2 of 4 stars). 2 submissions from 2 submitters: Uncertain significance (2). Last evaluated 2022-11-09.

Conditions:
Fanconi anemia (FA). Also called: Fanconi's anemia. Identifiers: Orphanet 84, MedGen C0015625, MeSH D005199, MONDO:0019391.

Allele frequency attached by ClinVar (database versions not stated): gnomAD 0.00001; gnomAD exomes 0.00001.
gnomAD v4.1: 8 of 1,614,026 alleles (0.0005%); highest among the groups gnomAD compares: Non-Finnish European, 0.00068%; no homozygotes.

Submissions (2):

Labcorp Genetics (formerly Invitae), Labcorp
Classification: Uncertain significance for Fanconi anemia. Last evaluated: 2022-11-09. Review status: criteria provided, single submitter. Criteria: Invitae Variant Classification Sherloc (09022015). Collection method: clinical testing. Allele origin: germline.
Comment: ClinVar contains an entry for this variant (Variation ID: 1311991). Algorithms developed to predict the effect of missense changes on protein structure and function are either unavailable or do not agree on the potential impact of this missense change (SIFT: "Deleterious"; PolyPhen-2: "Possibly Damaging"; Align-GVGD: "Class C0"). In summary, the available evidence is currently insufficient to determine the role of this variant in disease. Therefore, it has been classified as a Variant of Uncertain Significance. This variant has not been reported in the literature in individuals affected with FANCM-related conditions. This variant is not present in population databases (gnomAD no frequency). This sequence change replaces alanine, which is neutral and non-polar, with proline, which is neutral and non-polar, at codon 79 of the FANCM protein (p.Ala79Pro).

GeneDx
Classification: Uncertain significance. Last evaluated: 2020-01-10. Review status: criteria provided, single submitter. Criteria: GeneDx Variant Classification Process June 2021. Collection method: clinical testing. Allele origin: germline. Affected: yes.
Comment: Not observed in large population cohorts (Lek et al., 2016); In silico analysis, which includes protein predictors and evolutionary conservation, supports a deleterious effect; Has not been previously published as pathogenic or benign to our knowledge

NM_020937.4(FANCM):c.235G>C (p.Ala79Pro)

Gene: FANCM (FA complementation group M; plus strand). Cytogenetic location: 14q21.2.
Variant type: single nucleotide variant.
Coding change: c.235G>C on transcript NM_020937.4 (MANE Select); coding-DNA position 235, G replaced by C.
Protein change: p.Ala79Pro; replaces alanine 79 with proline.
Molecular consequence: missense variant.
Genome position (GRCh38, 1-based): chr14:45,136,266, G>C. VCF-style: chr14-45136266-G-C. GRCh37 (hg19) VCF-style: chr14-45605469-G-C.
Other names: c.235G>C, p.Ala79Pro (NM_001308133.2, NM_001308134.2); short protein forms A79P.
Identifiers: ClinVar variation 1311991 (VCV001311991.9), dbSNP rs1885491442, ClinGen allele CA389587514.
Genomic context (GRCh38, chr14:45,136,266, plus strand): 5'-GTCGCGGCGTACGAGGCTGAGCGGCAGTTGTGTCTAGAGAATGGCGGGTTCTGCACCTCC[G>C]CGGGCGCCCTGTGGATTTACCCTACCAATTGCCCAGTGCGGGACTACCAGCTGCACATTT-3'
Protein context (NP_065988.1, residues 69-89): CLENGGFCTS[Ala79Pro]GALWIYPTNC